The following is an entry in ClinVar:

ClinVar aggregate classification (germline): Uncertain significance (1 of 4 stars; one submission).

Conditions:
Combined immunodeficiency due to DOCK8 deficiency (HIES2). Also called: Hyper-IgE recurrent infection syndrome, autosomal recessive; HIES autosomal recessive; HYPER-IgE RECURRENT INFECTION SYNDROME 2, AUTOSOMAL RECESSIVE; HYPER-IgE SYNDROME 2, AUTOSOMAL RECESSIVE, WITH RECURRENT INFECTIONS; DOCK8 Deficiency. Identifiers: Orphanet 217390, MedGen C4722305, MONDO:0009478, OMIM 243700.

Submission:

Labcorp Genetics (formerly Invitae), Labcorp
Classification: Uncertain significance for Combined immunodeficiency due to DOCK8 deficiency. Last evaluated: 2024-09-02. Review status: criteria provided, single submitter. Criteria: Invitae Variant Classification Sherloc (09022015). Collection method: clinical testing. Allele origin: germline.
Comment: This sequence change replaces glutamine, which is neutral and polar, with arginine, which is basic and polar, at codon 311 of the DOCK8 protein (p.Gln311Arg). This variant is present in population databases (no rsID available, gnomAD 0.003%). This variant has not been reported in the literature in individuals affected with DOCK8-related conditions. Invitae Evidence Modeling of protein sequence and biophysical properties (such as structural, functional, and spatial information, amino acid conservation, physicochemical variation, residue mobility, and thermodynamic stability) indicates that this missense variant is not expected to disrupt DOCK8 protein function with a negative predictive value of 80%. In summary, the available evidence is currently insufficient to determine the role of this variant in disease. Therefore, it has been classified as a Variant of Uncertain Significance.

NM_203447.4(DOCK8):c.932A>G (p.Gln311Arg)

Gene: DOCK8 (dedicator of cytokinesis 8; plus strand). Cytogenetic location: 9p24.3.
Variant type: single nucleotide variant.
Coding change: c.932A>G on transcript NM_203447.4 (MANE Select); coding-DNA position 932, A replaced by G.
Protein change: p.Gln311Arg; replaces glutamine 311 with arginine.
Molecular consequence: missense variant.
Genome position (GRCh38, 1-based): chr9:328,059, A>G. VCF-style: chr9-328059-A-G. GRCh37 (hg19) VCF-style: chr9-328059-A-G.
Other names: c.728A>G, p.Gln243Arg (NM_001190458.2, NM_001193536.2); short protein forms Q243R, Q311R.
Identifiers: ClinVar variation 3683551 (VCV003683551.2).